The following is an entry in ClinVar:

ClinVar aggregate classification (germline): Conflicting classifications of pathogenicity. Review status: criteria provided, conflicting classifications (1 of 4 stars). 13 submissions from 11 submitters: Uncertain significance (2); Benign (1); Likely benign (7). 3 of the submissions do not count toward it. Last evaluated 2026-01-27.

Conditions:
Nephronophthisis 8. Identifiers: MedGen CN119610.
Meckel syndrome, type 5 (MKS5). Identifiers: Orphanet 564, MedGen C1969052, MONDO:0012695, OMIM 611561.
Inborn genetic diseases. Identifiers: MedGen C0950123, MeSH D030342.
Joubert syndrome. Also called: JOUBERT-BOLTSHAUSER SYNDROME; Familial aplasia of the vermis. Identifiers: Orphanet 475, MedGen C5979921, MONDO:0018772.
Meckel-Gruber syndrome. Also called: DYSENCEPHALIA SPLANCHNOCYSTICA; GRUBER SYNDROME; Dysencephalia splachnocystica. Identifiers: Orphanet 564, MedGen C0265215, MONDO:0018921.
Joubert syndrome 7 (JBTS7). Identifiers: Orphanet 220497, MedGen C1969053, MONDO:0012694, OMIM 611560.

Allele frequency attached by ClinVar (database versions not stated): gnomAD exomes 0.00018 and 0.00048; ExAC 0.00062; 1000 Genomes Project 30x 0.00109; 1000 Genomes Project 0.00120; ESP Exome Variant Server 0.00192; gnomAD 0.00224 and 0.00244; TOPMed 0.00228.
gnomAD v4.1: 609 of 1,614,110 alleles (0.038%); highest among the groups gnomAD compares: African/African-American, 0.74%; 3 homozygotes.

Submissions (13):

Labcorp Genetics (formerly Invitae), Labcorp
Classification: Likely benign for Joubert syndrome; Meckel-Gruber syndrome. Last evaluated: 2026-01-27. Review status: criteria provided, single submitter. Criteria: Invitae Variant Classification Sherloc (09022015). Collection method: clinical testing. Allele origin: germline.

Blueprint Genetics
Classification: Likely benign. Last evaluated: 2024-05-14. Review status: criteria provided, single submitter. Criteria: ACMG Guidelines, 2015. Collection method: clinical testing. Allele origin: germline.

CeGaT Center for Human Genetics Tuebingen
Classification: Likely benign. Last evaluated: 2023-10-01. Review status: criteria provided, single submitter. Criteria: CeGaT Center For Human Genetics Tuebingen Variant Classification Criteria Version 2. Collection method: clinical testing. Allele origin: germline. Affected: yes. Observed: 1 variant allele.
Comment: RPGRIP1L: BP4, BS2

Ambry Genetics
Classification: Benign for Inborn genetic diseases. Last evaluated: 2021-11-19. Review status: criteria provided, single submitter. Criteria: Ambry Variant Classification Scheme 2023. Collection method: clinical testing. Allele origin: germline.

GeneDx
Classification: Likely benign. Last evaluated: 2019-10-03. Review status: criteria provided, single submitter. Criteria: GeneDx Variant Classification Process June 2021. Collection method: clinical testing. Allele origin: germline. Affected: yes.

Illumina Laboratory Services, Illumina
Classification: Likely benign for Nephronophthisis 8. Last evaluated: 2018-01-13. Review status: criteria provided, single submitter. Criteria: ICSL Variant Classification Criteria 13 December 2019. Collection method: clinical testing. Allele origin: germline.
Comment: This variant was observed in the ICSL laboratory as part of a predisposition screen in an ostensibly healthy population. It had not been previously curated by ICSL or reported in the Human Gene Mutation Database (HGMD: prior to June 1st, 2018), and was therefore a candidate for classification through an automated scoring system. Utilizing variant allele frequency, disease prevalence and penetrance estimates, and inheritance mode, an automated score was calculated to assess if this variant is too frequent to cause the disease. Based on the score and internal cut-off values, a variant classified as likely benign is not then subjected to further curation. The score for this variant resulted in a classification of likely benign for this disease.

Illumina Laboratory Services, Illumina
Classification: Uncertain significance for Meckel syndrome, type 5. Last evaluated: 2018-01-13. Review status: criteria provided, single submitter. Criteria: ICSL Variant Classification Criteria 13 December 2019. Collection method: clinical testing. Allele origin: germline.

Illumina Laboratory Services, Illumina
Classification: Likely benign for Joubert syndrome 7. Last evaluated: 2018-01-13. Review status: criteria provided, single submitter. Criteria: ICSL Variant Classification Criteria 13 December 2019. Collection method: clinical testing. Allele origin: germline.
Comment: the same text as in the submission from Illumina Laboratory Services, Illumina above.

Eurofins Ntd Llc (ga)
Classification: Likely benign. Last evaluated: 2017-02-07. Review status: criteria provided, single submitter. Criteria: EGL Classification Definitions 2015. Collection method: clinical testing. Allele origin: germline. Observed: 1 variant allele, 1 heterozygote.

Genetic Services Laboratory, University of Chicago
Classification: Uncertain significance. Last evaluated: 2014-05-01. Review status: criteria provided, single submitter. Criteria: ACMG Guidelines, 2007. Collection method: clinical testing. Allele origin: germline.

Natera, Inc.
Classification: Benign for Joubert syndrome. Last evaluated: 2019-10-22. Review status: no assertion criteria provided. Collection method: clinical testing. Allele origin: germline. Not counted in ClinVar's aggregate classification.

Clinical Genetics, Academic Medical Center
Classification: Likely benign. Review status: no assertion criteria provided. Collection method: clinical testing. Allele origin: germline. Affected: yes. Study: VKGL Data-share Consensus. Not counted in ClinVar's aggregate classification.

Genome Diagnostics Laboratory, University Medical Center Utrecht
Classification: Benign. Review status: no assertion criteria provided. Collection method: clinical testing. Allele origin: germline. Affected: yes. Study: VKGL Data-share Consensus. Not counted in ClinVar's aggregate classification.

NM_015272.5(RPGRIP1L):c.2807T>G (p.Ile936Ser)

Gene: RPGRIP1L (RPGRIP1 like; minus strand). Cytogenetic location: 16q12.2.
Variant type: single nucleotide variant.
Coding change: c.2807T>G on transcript NM_015272.5 (MANE Select); coding-DNA position 2807, T replaced by G.
Protein change: p.Ile936Ser; replaces isoleucine 936 with serine.
Molecular consequence: missense variant.
Genome position (GRCh38, 1-based): chr16:53,641,352, A>C on the plus strand (T>G on the coding strand, the complement: RPGRIP1L is on the minus strand). VCF-style: chr16-53641352-A-C. GRCh37 (hg19) VCF-style: chr16-53675264-A-C.
Other names: c.2807T>G, p.Ile936Ser (NM_001127897.4, NM_001308334.3, NM_001330538.2); short protein forms I936S.
Identifiers: ClinVar variation 212062 (VCV000212062.54), dbSNP rs146197239, ClinGen allele CA207998.